The following is an entry in ClinVar:

ClinVar aggregate classification (germline): Conflicting classifications of pathogenicity. Review status: criteria provided, conflicting classifications (1 of 4 stars). 15 submissions from 11 submitters: Uncertain significance (9); Likely benign (6). Last evaluated 2026-01-27.

Conditions:
TTN-related disorder. Also called: TTN-related condition; TTN-related disease; TTN-related disorders.
Cardiovascular phenotype. Identifiers: MedGen CN230736.
Autosomal recessive limb-girdle muscular dystrophy type 2J (LGMDR10). Also called: Limb-girdle muscular dystrophy, type 2J; MUSCULAR DYSTROPHY, LIMB-GIRDLE, AUTOSOMAL RECESSIVE 10. Identifiers: Orphanet 140922, MedGen C1837342, MONDO:0012127, OMIM 608807.
Dilated cardiomyopathy 1G (CMD1G). Identifiers: Orphanet 154, MedGen C1858763, MONDO:0011400, OMIM 604145.
Cardiomyopathy (CMYO). Also called: Cardiomyopathies. Identifiers: Orphanet 167848, MedGen C0878544, MONDO:0004994, HP:0001638. Inheritance: Various modes of inheritance.
Early-onset myopathy with fatal cardiomyopathy (CMYO5). Also called: Salih Myopathy; CONGENITAL MYOPATHY 5 WITH CARDIOMYOPATHY. Identifiers: Orphanet 289377, MedGen C2673677, MONDO:0012714, OMIM 611705. Disease mechanism: loss of function.
Myopathy, myofibrillar, 9, with early respiratory failure (MFM9). Also called: Hereditary myopathy with early respiratory failure; EDSTROM MYOPATHY; MYOPATHY, PROXIMAL, WITH EARLY RESPIRATORY MUSCLE INVOLVEMENT; Myopathy, distal, with early respiratory failure, autosomal dominant. Identifiers: Orphanet 178464, Orphanet 34521, MedGen C1863599, MONDO:0011362, OMIM 603689.
Tibial muscular dystrophy (TMD). Also called: Tibial muscular dystrophy, tardive; UDD MYOPATHY; Udd Distal Myopathy – Tibial Muscular Dystrophy. Identifiers: Orphanet 609, MedGen C1838244, MONDO:0010870, OMIM 600334.

Allele frequency attached by ClinVar (database versions not stated): ExAC 0.00005; gnomAD exomes 0.00008 and 0.00025; TOPMed 0.00009; gnomAD 0.00012 and 0.00013; ESP Exome Variant Server 0.00025.
gnomAD v4.1: 370 of 1,613,768 alleles (0.023%); highest among the groups gnomAD compares: Non-Finnish European, 0.03%; no homozygotes.

Submissions (15):

PreventionGenetics, part of Exact Sciences
Classification: Likely benign for TTN-related condition. Last evaluated: 2026-01-27. Review status: criteria provided, single submitter. Criteria: ACMG Guidelines, 2015. Collection method: clinical testing. Allele origin: germline.
Comment: This variant is classified as likely benign based on ACMG/AMP sequence variant interpretation guidelines (Richards et al. 2015 PMID: 25741868, with internal and published modifications).

Revvity Omics, Revvity
Classification: Uncertain significance. Last evaluated: 2025-01-19. Review status: criteria provided, single submitter. Criteria: ACMG Guidelines, 2015. Collection method: clinical testing. Allele origin: germline.

Blueprint Genetics
Classification: Likely benign. Last evaluated: 2024-09-12. Review status: criteria provided, single submitter. Criteria: ACMG Guidelines, 2015. Collection method: clinical testing. Allele origin: germline.

CHEO Genetics Diagnostic Laboratory, Children's Hospital of Eastern Ontario
Classification: Likely benign for Cardiomyopathy. Last evaluated: 2022-11-01. Review status: criteria provided, single submitter. Criteria: ACMG Guidelines, 2015. Collection method: clinical testing. Allele origin: germline.

GeneDx
Classification: Likely benign. Last evaluated: 2020-10-15. Review status: criteria provided, single submitter. Criteria: GeneDx Variant Classification Process June 2021. Collection method: clinical testing. Allele origin: germline. Affected: yes.

Mayo Clinic Laboratories, Mayo Clinic
Classification: Uncertain significance. Last evaluated: 2020-03-11. Review status: criteria provided, single submitter. Criteria: ACMG Guidelines, 2015. Collection method: clinical testing. Allele origin: germline. Observed: 1 variant allele.

Ambry Genetics
Classification: Uncertain significance for Cardiovascular phenotype. Last evaluated: 2019-11-11. Review status: criteria provided, single submitter. Criteria: Ambry Variant Classification Scheme 2023. Collection method: clinical testing. Allele origin: germline.
Comment: The p.T21713R variant (also known as c.65138C>G), located in coding exon 166 of the TTN gene, results from a C to G substitution at nucleotide position 65138. The threonine at codon 21713 is replaced by arginine, an amino acid with similar properties. This amino acid position is not well conserved in available vertebrate species. In addition, this alteration is predicted to be tolerated by in silico analysis. Since supporting evidence is limited at this time, the clinical significance of this alteration remains unclear.

Eurofins Ntd Llc (ga)
Classification: Uncertain significance. Last evaluated: 2018-06-01. Review status: criteria provided, single submitter. Criteria: EGL ClinVar v180209 classification definitions. Collection method: clinical testing. Allele origin: germline. Observed: 2 variant alleles, 2 heterozygotes.

Illumina Laboratory Services, Illumina
Classification: Uncertain significance for Dilated cardiomyopathy 1G. Last evaluated: 2018-01-13. Review status: criteria provided, single submitter. Criteria: ICSL Variant Classification Criteria 13 December 2019. Collection method: clinical testing. Allele origin: germline.

Illumina Laboratory Services, Illumina
Classification: Uncertain significance for Autosomal recessive limb-girdle muscular dystrophy type 2J. Last evaluated: 2018-01-13. Review status: criteria provided, single submitter. Criteria: ICSL Variant Classification Criteria 13 December 2019. Collection method: clinical testing. Allele origin: germline.

Illumina Laboratory Services, Illumina
Classification: Likely benign for Tibial muscular dystrophy. Last evaluated: 2018-01-13. Review status: criteria provided, single submitter. Criteria: ICSL Variant Classification Criteria 13 December 2019. Collection method: clinical testing. Allele origin: germline.
Comment: This variant was observed in the ICSL laboratory as part of a predisposition screen in an ostensibly healthy population. It had not been previously curated by ICSL or reported in the Human Gene Mutation Database (HGMD: prior to June 1st, 2018), and was therefore a candidate for classification through an automated scoring system. Utilizing variant allele frequency, disease prevalence and penetrance estimates, and inheritance mode, an automated score was calculated to assess if this variant is too frequent to cause the disease. Based on the score and internal cut-off values, a variant classified as likely benign is not then subjected to further curation. The score for this variant resulted in a classification of likely benign for this disease.

Illumina Laboratory Services, Illumina
Classification: Likely benign for Myopathy, myofibrillar, 9, with early respiratory failure. Last evaluated: 2018-01-13. Review status: criteria provided, single submitter. Criteria: ICSL Variant Classification Criteria 13 December 2019. Collection method: clinical testing. Allele origin: germline.
Comment: the same text as in the submission from Illumina Laboratory Services, Illumina above.

Illumina Laboratory Services, Illumina
Classification: Uncertain significance for Early-onset myopathy with fatal cardiomyopathy. Last evaluated: 2018-01-13. Review status: criteria provided, single submitter. Criteria: ICSL Variant Classification Criteria 13 December 2019. Collection method: clinical testing. Allele origin: germline.

Labcorp Genetics (formerly Invitae), Labcorp
Classification: Uncertain significance for Dilated cardiomyopathy 1G; Autosomal recessive limb-girdle muscular dystrophy type 2J. Last evaluated: 2017-11-16. Review status: criteria provided, single submitter. Criteria: Invitae Variant Classification Sherloc (09022015). Collection method: clinical testing. Allele origin: germline.

Laboratory for Molecular Medicine, Mass General Brigham Personalized Medicine
Classification: Uncertain significance. Last evaluated: 2015-02-17. Review status: criteria provided, single submitter. Criteria: LMM Criteria. Collection method: clinical testing. Allele origin: germline. Observed: 1 variant allele.
Comment: proposed classification - variant undergoing re-assessment, contact laboratory

NM_001267550.2(TTN):c.92333C>G (p.Thr30778Arg)

Genes: TTN (titin; minus strand), TTN-AS1 (TTN antisense RNA 1; plus strand). Cytogenetic location: 2q31.2.
Variant type: single nucleotide variant.
Coding change: c.92333C>G on transcript NM_001267550.2 (MANE Select); coding-DNA position 92333, C replaced by G.
Protein change: p.Thr30778Arg; replaces threonine 30778 with arginine.
Molecular consequence: missense variant.
Genome position (GRCh38, 1-based): chr2:178,549,293, G>C on the plus strand (C>G on the coding strand, the complement: TTN is on the minus strand). VCF-style: chr2-178549293-G-C. GRCh37 (hg19) VCF-style: chr2-179414020-G-C.
Other names: p.T29137R:ACA>AGA; c.87410C>G, p.Thr29137Arg (NM_001256850.1); c.84629C>G, p.Thr28210Arg (NM_133378.4); c.65138C>G, p.Thr21713Arg (NM_003319.4); c.65513C>G, p.Thr21838Arg (NM_133432.3); c.65714C>G, p.Thr21905Arg (NM_133437.4); short protein forms T30778R, T28210R, T29137R, T21905R, T21713R, T21838R.
Identifiers: ClinVar variation 47522 (VCV000047522.27), dbSNP rs201019681, ClinGen allele CA141256.